The following is an entry in ClinVar:

NM_014249.4(NR2E3):c.988A>G (p.Lys330Glu)

Gene: NR2E3 (nuclear receptor subfamily 2 group E member 3; plus strand). Cytogenetic location: 15q23.
Variant type: single nucleotide variant.
Coding change: c.988A>G on transcript NM_014249.4 (MANE Select); coding-DNA position 988, A replaced by G.
Protein change: p.Lys330Glu; replaces lysine 330 with glutamic acid.
Molecular consequence: missense variant.
Genome position (GRCh38, 1-based): chr15:71,813,629, A>G. VCF-style: chr15-71813629-A-G. GRCh37 (hg19) VCF-style: chr15-72105970-A-G.
Other names: c.988A>G, p.Lys330Glu (NM_016346.4); short protein forms K330E.
Identifiers: ClinVar variation 2105899 (VCV002105899.4), dbSNP rs2543256597, ClinGen allele CA393038117.

ClinVar aggregate classification (germline): Uncertain significance (1 of 4 stars; one submission).

Allele frequency attached by ClinVar (database versions not stated): gnomAD exomes below 0.00001.
gnomAD v4.1: 1 of 1,613,734 alleles (0.000062%); highest among the groups gnomAD compares: Non-Finnish European, 0.000085%; no homozygotes.

Submission:

Labcorp Genetics (formerly Invitae), Labcorp
Classification: Uncertain significance. Last evaluated: 2022-07-08. Review status: criteria provided, single submitter. Criteria: Invitae Variant Classification Sherloc (09022015). Collection method: clinical testing. Allele origin: germline.
Comment: In summary, the available evidence is currently insufficient to determine the role of this variant in disease. Therefore, it has been classified as a Variant of Uncertain Significance. This sequence change replaces lysine, which is basic and polar, with glutamic acid, which is acidic and polar, at codon 330 of the NR2E3 protein (p.Lys330Glu). Experimental studies and prediction algorithms are not available or were not evaluated, and the functional significance of this variant is currently unknown. This variant has not been reported in the literature in individuals affected with NR2E3-related conditions. This variant is not present in population databases (gnomAD no frequency).